The following is an entry in ClinVar:

ClinVar aggregate classification (germline): Uncertain significance (1 of 4 stars; one submission).

Submission:

Women's Health and Genetics/Laboratory Corporation of America, LabCorp
Classification: Uncertain significance. Last evaluated: 2024-09-04. Review status: criteria provided, single submitter. Criteria: LabCorp Variant Classification Summary - May 2015. Collection method: clinical testing. Allele origin: germline.
Comment: Variant summary: KMT2D c.3007C>G (p.Pro1003Ala) results in a non-conservative amino acid change in the encoded protein sequence. Three of four in-silico tools predict a benign effect of the variant on protein function. The variant was absent in 245314 control chromosomes. The available data on variant occurrences in the general population are insufficient to allow any conclusion about variant significance. To our knowledge, no occurrence of c.3007C>G in individuals affected with Kabuki Syndrome 1 and no experimental evidence demonstrating its impact on protein function have been reported. No submitters have cited clinical-significance assessments for this variant to ClinVar. Based on the evidence outlined above, the variant was classified as uncertain significance.

NM_003482.4(KMT2D):c.3007C>G (p.Pro1003Ala)

Gene: KMT2D (lysine methyltransferase 2D; minus strand). Cytogenetic location: 12q13.12.
Variant type: single nucleotide variant.
Coding change: c.3007C>G on transcript NM_003482.4 (MANE Select); coding-DNA position 3007, C replaced by G.
Protein change: p.Pro1003Ala; replaces proline 1003 with alanine.
Molecular consequence: missense variant.
Genome position (GRCh38, 1-based): chr12:49,050,581, G>C on the plus strand (C>G on the coding strand, the complement: KMT2D is on the minus strand). VCF-style: chr12-49050581-G-C. GRCh37 (hg19) VCF-style: chr12-49444364-G-C.
Other names: short protein forms P1003A.
Identifiers: ClinVar variation 3375045 (VCV003375045.1).